The following is an entry in ClinVar:

NM_000038.6(APC):c.136-2527G>A

Gene: APC (APC regulator of WNT signaling pathway; plus strand). Cytogenetic location: 5q22.2.
Variant type: single nucleotide variant.
Coding change: c.136-2527G>A on transcript NM_000038.6 (MANE Select); 2527 bases into the intron before coding-DNA position 136, G replaced by A.
Molecular consequence: intron variant.
Genome position (GRCh38, 1-based): chr5:112,763,799, G>A. VCF-style: chr5-112763799-G-A. GRCh37 (hg19) VCF-style: chr5-112099496-G-A.
Other names: c.136-2527G>A (NM_001354895.2, NM_001127510.3, NM_001354896.2 and 2 more transcripts); c.166-2527G>A (NM_001354897.2, NM_001354902.2, NM_001127511.3); c.61-2527G>A (NM_001354898.2, NM_001354904.2); c.-900-2527G>A (NM_001354906.2); c.-42-2527G>A (NM_001354900.2, NM_001354901.2, NM_001354905.2).
Identifiers: ClinVar variation 82854 (VCV000082854.2), dbSNP rs7703438, ClinGen allele CA004618.
Genomic context (GRCh38, chr5:112,763,799, plus strand): 5'-TCCATAGAATAACACTGTTAACATTTTAATGATTCTGCTTTCAGCATCAGCTTCACCTGA[G>A]AACTTGTTCAAAATGCAGATTTTCAGCCTCTACCCCAGGCTTACTGAATCGACAGTCTAT-3'

ClinVar aggregate classification (germline): other (0 of 4 stars; one submission).

Conditions:
Familial colorectal cancer. Identifiers: MedGen CN280943, MONDO:0023113. Disease mechanism: loss of function.

Allele frequency attached by ClinVar (database versions not stated): gnomAD 0.09558 and 0.09837; TOPMed 0.10705; 1000 Genomes Project 30x 0.13289; 1000 Genomes Project 0.13359.
gnomAD v4.1: 14,462 of 152,160 alleles (9.5%); highest among the groups gnomAD compares: African/African-American, 26%; 1,525 homozygotes.

Submission:

Systems Biology Platform Zhejiang California International NanoSystems Institute
Classification: other for Familial colorectal cancer. Review status: no assertion criteria provided. Collection method: not provided. Allele origin: unknown.
ClinVar note: Converted during submission from cancer to other.